The following is an entry in ClinVar:

NM_025081.3(NYNRIN):c.4621C>T (p.Arg1541Trp)

Gene: NYNRIN (NYN domain and retroviral integrase containing; plus strand). Cytogenetic location: 14q12.
Variant type: single nucleotide variant.
Coding change: c.4621C>T on transcript NM_025081.3 (MANE Select); coding-DNA position 4621, C replaced by T.
Protein change: p.Arg1541Trp; replaces arginine 1541 with tryptophan.
Molecular consequence: missense variant.
Genome position (GRCh38, 1-based): chr14:24,416,370, C>T. VCF-style: chr14-24416370-C-T. GRCh37 (hg19) VCF-style: chr14-24885576-C-T.
Other names: short protein forms R1541W.
Identifiers: ClinVar variation 4745323 (VCV004745323.1).

ClinVar aggregate classification (germline): Uncertain significance (1 of 4 stars; one submission).

gnomAD v4.1: 32 of 1,613,094 alleles (0.002%); highest among the groups gnomAD compares: South Asian, 0.016%; no homozygotes.

Submission:

Labcorp Genetics (formerly Invitae), Labcorp
Classification: Uncertain significance. Last evaluated: 2025-07-20. Review status: criteria provided, single submitter. Criteria: Invitae Variant Classification Sherloc (09022015). Collection method: clinical testing. Allele origin: germline.
Comment: This sequence change replaces arginine, which is basic and polar, with tryptophan, which is neutral and slightly polar, at codon 1541 of the NYNRIN protein (p.Arg1541Trp). This variant is present in population databases (rs532149352, gnomAD 0.01%). This variant has not been reported in the literature in individuals affected with NYNRIN-related conditions. Experimental studies and prediction algorithms are not available or were not evaluated, and the functional significance of this variant is currently unknown. In summary, the available evidence is currently insufficient to determine the role of this variant in disease. Therefore, it has been classified as a Variant of Uncertain Significance.